The following is an entry in ClinVar:

NM_002568.4(PABPC1):c.1107G>A (p.Gln369=)

Gene: PABPC1 (poly(A) binding protein cytoplasmic 1; minus strand). Cytogenetic location: 8q22.3.
Variant type: single nucleotide variant.
Coding change: c.1107G>A on transcript NM_002568.4 (MANE Select); coding-DNA position 1107, G replaced by A.
Protein change: p.Gln369=; no amino-acid change (glutamine 369 retained).
Molecular consequence: synonymous variant.
Genome position (GRCh38, 1-based): chr8:100,709,597, C>T on the plus strand (G>A on the coding strand, the complement: PABPC1 is on the minus strand). VCF-style: chr8-100709597-C-T. GRCh37 (hg19) VCF-style: chr8-101721825-C-T.
Other names: c.1107G>A, p.Gln369= (NM_001438282.1).
Identifiers: ClinVar variation 4983565 (VCV004983565.1).
Genomic context (GRCh38, chr8:100,709,597, plus strand): 5'-TACACTTGCCATTCTCTGCATATACTGGTTAGTGAGGTGAGCCTGGCGCTCTTCTTTGCG[C>T]TGAGCTAAAGCTACATACAATGGCTTTGTGGCCACAATTCTACCGTTCATTTCTGTAACT-3'
Protein context (NP_002559.2, residues 359-379): ATKPLYVALA[Gln369=]RKEERQAHLT

ClinVar aggregate classification (germline): Likely benign (1 of 4 stars; one submission).

Conditions:
PABPC1-related condition.

Submission:

PreventionGenetics, part of Exact Sciences
Classification: Likely benign for PABPC1-related condition. Last evaluated: 2025-12-27. Review status: criteria provided, single submitter. Criteria: ACMG Guidelines, 2015. Collection method: clinical testing. Allele origin: germline.
Comment: This variant is classified as likely benign based on ACMG/AMP sequence variant interpretation guidelines (Richards et al. 2015 PMID: 25741868, with internal and published modifications).